The following is an entry in ClinVar:

NM_145870.3(GSTZ1):c.15+3C>G

Gene: GSTZ1 (glutathione S-transferase zeta 1; plus strand). Cytogenetic location: 14q24.3.
Variant type: single nucleotide variant.
Coding change: c.15+3C>G on transcript NM_145870.3 (MANE Select); 3 bases into the intron after coding-DNA position 15, C replaced by G.
Molecular consequence: intron variant.
Genome position (GRCh38, 1-based): chr14:77,321,186, C>G. VCF-style: chr14-77321186-C-G. GRCh37 (hg19) VCF-style: chr14-77787529-C-G.
Other names: c.-337+3C>G (NM_001312660.2); c.15+3C>G (NM_145871.3).
Identifiers: ClinVar variation 3055011 (VCV003055011.2), dbSNP rs545656806, ClinGen allele CA7286329.

ClinVar aggregate classification (germline): Likely benign (0 of 4 stars; one submission).

Conditions:
GSTZ1-related disorder. Also called: GSTZ1-related condition.

Allele frequency attached by ClinVar (database versions not stated): gnomAD 0.00001; 1000 Genomes Project 30x 0.00016; 1000 Genomes Project 0.00020.
gnomAD v4.1: 11 of 1,480,474 alleles (0.00074%); highest among the groups gnomAD compares: Middle Eastern, 0.056%; no homozygotes.

Submission:

PreventionGenetics, part of Exact Sciences
Classification: Likely benign for GSTZ1-related condition. Last evaluated: 2020-05-06. Review status: no assertion criteria provided. Collection method: clinical testing. Allele origin: germline.
Comment: This variant is classified as likely benign based on ACMG/AMP sequence variant interpretation guidelines (Richards et al. 2015 PMID: 25741868, with internal and published modifications).